The following is an entry in ClinVar:

NM_199355.4(ADAMTS18):c.3355C>G (p.Pro1119Ala)

Gene: ADAMTS18 (ADAM metallopeptidase with thrombospondin type 1 motif 18; minus strand). Cytogenetic location: 16q23.1.
Variant type: single nucleotide variant.
Coding change: c.3355C>G on transcript NM_199355.4 (MANE Select); coding-DNA position 3355, C replaced by G.
Protein change: p.Pro1119Ala; replaces proline 1119 with alanine.
Molecular consequence: missense variant.
Genome position (GRCh38, 1-based): chr16:77,291,313, G>C on the plus strand (C>G on the coding strand, the complement: ADAMTS18 is on the minus strand). VCF-style: chr16-77291313-G-C. GRCh37 (hg19) VCF-style: chr16-77325210-G-C.
Other names: c.2839C>G, p.Pro947Ala (NM_001326358.2); short protein forms P1119A, P947A.
Identifiers: ClinVar variation 842151 (VCV000842151.5), dbSNP rs145597958, ClinGen allele CA8180487.
Genomic context (GRCh38, chr16:77,291,313, plus strand): 5'-GGCCTGTACCCACCTGCTGCCACGGCAATGAATACCATCCAGCTACCATGTTGTACACTG[G>C]ATGGGCTGGGCAAGCCCGTCGGTTGCAGGTCTCTTCCAAGTCCAGATTTGGTTTCTTAAT-3'
Protein context (NP_955387.1, residues 1109-1129): TCNRRACPAH[Pro1119Ala]VYNMVAGWYS

ClinVar aggregate classification (germline): Uncertain significance (1 of 4 stars; one submission).

Allele frequency attached by ClinVar (database versions not stated): ExAC 0.00003; gnomAD exomes 0.00005; gnomAD 0.00021 and 0.00024; TOPMed 0.00021; ESP Exome Variant Server 0.00031.
gnomAD v4.1: 51 of 1,614,190 alleles (0.0032%); highest among the groups gnomAD compares: African/African-American, 0.065%; no homozygotes.

Submission:

Labcorp Genetics (formerly Invitae), Labcorp
Classification: Uncertain significance. Last evaluated: 2023-11-06. Review status: criteria provided, single submitter. Criteria: Invitae Variant Classification Sherloc (09022015). Collection method: clinical testing. Allele origin: germline.
Comment: This sequence change replaces proline, which is neutral and non-polar, with alanine, which is neutral and non-polar, at codon 1119 of the ADAMTS18 protein (p.Pro1119Ala). This variant is present in population databases (rs145597958, gnomAD 0.07%). This variant has not been reported in the literature in individuals affected with ADAMTS18-related conditions. ClinVar contains an entry for this variant (Variation ID: 842151). An algorithm developed to predict the effect of missense changes on protein structure and function (PolyPhen-2) suggests that this variant¬†is likely to be tolerated. In summary, the available evidence is currently insufficient to determine the role of this variant in disease. Therefore, it has been classified as a Variant of Uncertain Significance.